The following is an entry in ClinVar:

NM_017780.4(CHD7):c.546C>G (p.His182Gln)

Gene: CHD7 (chromodomain helicase DNA binding protein 7; plus strand). Cytogenetic location: 8q12.2.
Variant type: single nucleotide variant.
Coding change: c.546C>G on transcript NM_017780.4 (MANE Select); coding-DNA position 546, C replaced by G.
Protein change: p.His182Gln; replaces histidine 182 with glutamine.
Molecular consequence: missense variant.
Genome position (GRCh38, 1-based): chr8:60,741,978, C>G. VCF-style: chr8-60741978-C-G. GRCh37 (hg19) VCF-style: chr8-61654537-C-G.
Other names: c.546C>G, p.His182Gln (NM_001316690.1); short protein forms H182Q.
Identifiers: ClinVar variation 2071271 (VCV002071271.6), dbSNP rs374364252, ClinGen allele CA371297903.

ClinVar aggregate classification (germline): Uncertain significance. Review status: criteria provided, multiple submitters, no conflicts (2 of 4 stars). 2 submissions from 2 submitters: Uncertain significance (2). Last evaluated 2025-03-03.

Conditions:
CHARGE syndrome (CHARGE). Also called: Hittner Hirsch Kreh syndrome; CHARGE ASSOCIATION--COLOBOMA, HEART ANOMALY, CHOANAL ATRESIA, RETARDATION, GENITAL AND EAR ANOMALIES; Coloboma, heart anomaly, choanal atresia, retardation, genital and ear anomalies; CHARGE association; Hall-Hittner syndrome. Identifiers: Orphanet 138, MedGen C0265354, MONDO:0008965.

Submissions (2):

GeneDx
Classification: Uncertain significance. Last evaluated: 2025-03-03. Review status: criteria provided, single submitter. Criteria: GeneDx Variant Classification Process June 2021. Collection method: clinical testing. Allele origin: germline.
Comment: Not observed at significant frequency in large population cohorts (gnomAD); In silico analysis indicates that this missense variant does not alter protein structure/function; Has not been previously published as pathogenic or benign to our knowledge

Labcorp Genetics (formerly Invitae), Labcorp
Classification: Uncertain significance for CHARGE syndrome. Last evaluated: 2023-07-07. Review status: criteria provided, single submitter. Criteria: Invitae Variant Classification Sherloc (09022015). Collection method: clinical testing. Allele origin: germline.
Comment: This sequence change replaces histidine, which is basic and polar, with glutamine, which is neutral and polar, at codon 182 of the CHD7 protein (p.His182Gln). This variant is not present in population databases (gnomAD no frequency). In summary, the available evidence is currently insufficient to determine the role of this variant in disease. Therefore, it has been classified as a Variant of Uncertain Significance. Advanced modeling of protein sequence and biophysical properties (such as structural, functional, and spatial information, amino acid conservation, physicochemical variation, residue mobility, and thermodynamic stability) performed at Invitae indicates that this missense variant is not expected to disrupt CHD7 protein function. ClinVar contains an entry for this variant (Variation ID: 2071271). This variant has not been reported in the literature in individuals affected with CHD7-related conditions.